The following is an entry in ClinVar:

ClinVar aggregate classification (germline): Pathogenic (1 of 4 stars; one submission).

Conditions:
Ellis-van Creveld syndrome (EVC). Also called: MESOECTODERMAL DYSPLASIA; Chondroectodermal dysplasia. Identifiers: Orphanet 289, MedGen C0013903, MONDO:0009162, OMIM 225500.

Submission:

Myriad Genetics, Inc.
Classification: Pathogenic for Ellis-van Creveld syndrome. Last evaluated: 2026-05-06. Review status: criteria provided, single submitter. Criteria: Myriad Autosomal Dominant, Autosomal Recessive and X-Linked Classification Criteria (2023). Collection method: clinical testing. Allele origin: unknown.
Comment: NM_153717.2(EVC):c.1174G>T(E392*) is expected to be pathogenic in the context of EVC-related Ellis-van Creveld syndrome. This variant is predicted to lead to an abnormal or absent protein product due to the creation of a premature termination codon in EVC, a gene where loss-of-function variants are known to be pathogenic. Please note: this variant was assessed in the context of healthy population screening.

NM_153717.3(EVC):c.1174G>T (p.Glu392Ter)

Gene: EVC (EvC ciliary complex subunit 1; plus strand). Cytogenetic location: 4p16.2.
Variant type: single nucleotide variant.
Coding change: c.1174G>T on transcript NM_153717.3 (MANE Select); coding-DNA position 1174, G replaced by T.
Protein change: p.Glu392Ter; replaces glutamic acid 392 with a stop codon.
Molecular consequence: nonsense.
Genome position (GRCh38, 1-based): chr4:5,752,911, G>T. VCF-style: chr4-5752911-G-T. GRCh37 (hg19) VCF-style: chr4-5754638-G-T.
Other names: c.1174G>T, p.Glu392Ter (NM_001306090.2, NM_001306092.2); short protein forms E392*.
Identifiers: ClinVar variation 5015880 (VCV005015880.1).